The following is an entry in ClinVar:

ClinVar aggregate classification (germline): Likely benign. Review status: criteria provided, multiple submitters, no conflicts (2 of 4 stars). 4 submissions from 4 submitters: Likely benign (3). 1 of the submissions does not count toward it. Last evaluated 2025-12-01.

Conditions:
OCRL-related disorder. Also called: OCRL-related condition.
Lowe syndrome (OCRL). Also called: LOWE OCULOCEREBRORENAL SYNDROME; Oculocerebrorenal Syndrome; PHOSPHATIDYLINOSITOL 4,5-BISPHOSPHATE 5-PHOSPHATASE DEFICIENCY. Identifiers: Orphanet 534, MedGen C0028860, MONDO:0010645, OMIM 309000.
Dent disease type 2. Identifiers: Orphanet 1652, Orphanet 93623, MedGen C1845167, MONDO:0010359, OMIM 300555.

Allele frequency attached by ClinVar (database versions not stated): gnomAD exomes 0.00001 and 0.00003; ExAC 0.00003; gnomAD 0.00012 and 0.00013; TOPMed 0.00013; ESP Exome Variant Server 0.00019.
gnomAD v4.1: 23 of 1,209,178 alleles (0.0019%); highest among the groups gnomAD compares: African/African-American, 0.038%; no homozygotes.

Submissions (4):

Labcorp Genetics (formerly Invitae), Labcorp
Classification: Likely benign for Lowe syndrome. Last evaluated: 2025-12-01. Review status: criteria provided, single submitter. Criteria: Invitae Variant Classification Sherloc (09022015). Collection method: clinical testing. Allele origin: germline.

Women's Health and Genetics/Laboratory Corporation of America, LabCorp
Classification: Likely benign. Last evaluated: 2024-03-11. Review status: criteria provided, single submitter. Criteria: LabCorp Variant Classification Summary - May 2015. Collection method: clinical testing. Allele origin: germline.
Comment: Variant summary: OCRL c.1587C>G alters a non-conserved nucleotide resulting in a synonymous change. Consensus agreement among computation tools predict no significant impact on normal splicing. However, these predictions have yet to be confirmed by functional studies. The variant allele was found at a frequency of 2.7e-05 in 183467 control chromosomes. The available data on variant occurrences in the general population are insufficient to allow any conclusion about variant significance. To our knowledge, no occurrence of c.1587C>G in individuals affected with Dent Disease and no experimental evidence demonstrating its impact on protein function have been reported. ClinVar contains an entry for this variant (Variation ID: 732134). Based on the evidence outlined above, the variant was classified as likely benign.

Fulgent Genetics
Classification: Likely benign for Dent disease type 2; Lowe syndrome. Last evaluated: 2022-01-04. Review status: criteria provided, single submitter. Criteria: ACMG Guidelines, 2015. Collection method: clinical testing. Allele origin: unknown.

PreventionGenetics, part of Exact Sciences
Classification: Likely benign for OCRL-related condition. Last evaluated: 2022-12-13. Review status: no assertion criteria provided. Collection method: clinical testing. Allele origin: germline. Not counted in ClinVar's aggregate classification.
Comment: This variant is classified as likely benign based on ACMG/AMP sequence variant interpretation guidelines (Richards et al. 2015 PMID: 25741868, with internal and published modifications).

NM_000276.4(OCRL):c.1587C>G (p.Ala529=)

Gene: OCRL (OCRL inositol polyphosphate-5-phosphatase; plus strand). Cytogenetic location: Xq26.1.
Variant type: single nucleotide variant.
Coding change: c.1587C>G on transcript NM_000276.4 (MANE Select); coding-DNA position 1587, C replaced by G.
Protein change: p.Ala529=; no amino-acid change (alanine 529 retained).
Molecular consequence: synonymous variant.
Genome position (GRCh38, 1-based): chrX:129,569,384, C>G. VCF-style: chrX-129569384-C-G. GRCh37 (hg19) VCF-style: chrX-128703361-C-G.
Other names: c.1590C>G, p.Ala530= (NM_001318784.2); c.1587C>G, p.Ala529= (NM_001587.4).
Identifiers: ClinVar variation 732134 (VCV000732134.13), dbSNP rs375634816, ClinGen allele CA10512212.
Genomic context (GRCh38, chrX:129,569,384, plus strand): 5'-TCAGCTTAATTATCGGAGTCACATGGAACTGAAAACCAGCGACCACAAGCCTGTTAGCGC[C>G]CTCTTCCATATTGGGGTAAACACTTGTTTGTACATTCATTTATTTGTGTGTTAAGTATCA-3'
Protein context (NP_000267.2, residues 519-539): LKTSDHKPVS[Ala529=]LFHIGVKVVD